The following is an entry in ClinVar:

ClinVar aggregate classification (germline): Uncertain significance. Review status: criteria provided, multiple submitters, no conflicts (2 of 4 stars). 3 submissions from 3 submitters: Uncertain significance (3). Last evaluated 2025-10-08.

Conditions:
Cardiovascular phenotype. Identifiers: MedGen CN230736.
Danon disease. Also called: Glycogen Storage Disease Type IIb; PSEUDOGLYCOGENOSIS II; GSD IIb; LYSOSOMAL GLYCOGEN STORAGE DISEASE WITHOUT ACID MALTASE DEFICIENCY; ANTOPOL DISEASE. Identifiers: Orphanet 34587, MedGen C0878677, MONDO:0010281, OMIM 300257.
LAMP2-related disorder. Also called: LAMP2-related condition.

Allele frequency attached by ClinVar (database versions not stated): ExAC 0.00001; gnomAD 0.00001; gnomAD exomes 0.00001 and 0.00002.
gnomAD v4.1: 13 of 1,206,355 alleles (0.0011%); highest among the groups gnomAD compares: Admixed American, 0.011%; no homozygotes.

Submissions (3):

PreventionGenetics, part of Exact Sciences
Classification: Uncertain significance for LAMP2-related condition. Last evaluated: 2025-10-08. Review status: criteria provided, single submitter. Criteria: ACMG Guidelines, 2015. Collection method: clinical testing. Allele origin: germline.
Comment: The LAMP2 c.1067A>G variant is predicted to result in the amino acid substitution p.Asn356Ser. To our knowledge, this variant has not been reported in the literature. This variant is reported in 0.0036% of alleles in individuals of Latino descent in gnomAD. At this time, the clinical significance of this variant is uncertain due to the absence of conclusive functional and genetic evidence.

Labcorp Genetics (formerly Invitae), Labcorp
Classification: Uncertain significance for Danon disease. Last evaluated: 2024-09-06. Review status: criteria provided, single submitter. Criteria: Invitae Variant Classification Sherloc (09022015). Collection method: clinical testing. Allele origin: germline.
Comment: This sequence change replaces asparagine, which is neutral and polar, with serine, which is neutral and polar, at codon 356 of the LAMP2 protein (p.Asn356Ser). This variant is present in population databases (rs775416221, gnomAD 0.004%), including at least one homozygous and/or hemizygous individual. This variant has not been reported in the literature in individuals affected with LAMP2-related conditions. ClinVar contains an entry for this variant (Variation ID: 1399201). Invitae Evidence Modeling of protein sequence and biophysical properties (such as structural, functional, and spatial information, amino acid conservation, physicochemical variation, residue mobility, and thermodynamic stability) indicates that this missense variant is not expected to disrupt LAMP2 protein function with a negative predictive value of 80%. In summary, the available evidence is currently insufficient to determine the role of this variant in disease. Therefore, it has been classified as a Variant of Uncertain Significance.

Ambry Genetics
Classification: Uncertain significance for Cardiovascular phenotype. Last evaluated: 2023-05-22. Review status: criteria provided, single submitter. Criteria: Ambry Variant Classification Scheme 2023. Collection method: clinical testing. Allele origin: germline.
Comment: The p.N356S variant (also known as c.1067A>G), located in coding exon 8 of the LAMP2 gene, results from an A to G substitution at nucleotide position 1067. The asparagine at codon 356 is replaced by serine, an amino acid with highly similar properties. Based on data from gnomAD, the G allele has an overall frequency of 0.0016% (3/183378) total alleles studied, with 1 hemizygote observed. The highest observed frequency was 0.0036% (1/27398) of Latino/Admixed American alleles. This amino acid position is not well conserved in available vertebrate species. In addition, this alteration is predicted to be tolerated by in silico analysis. Since supporting evidence is limited at this time, the clinical significance of this alteration remains unclear.

NM_002294.3(LAMP2):c.1067A>G (p.Asn356Ser)

Gene: LAMP2 (lysosome associated membrane protein 2; minus strand). Cytogenetic location: Xq24.
Variant type: single nucleotide variant.
Coding change: c.1067A>G on transcript NM_002294.3 (MANE Select); coding-DNA position 1067, A replaced by G.
Protein change: p.Asn356Ser; replaces asparagine 356 with serine.
Molecular consequence: missense variant.
Genome position (GRCh38, 1-based): chrX:120,441,756, T>C on the plus strand (A>G on the coding strand, the complement: LAMP2 is on the minus strand). VCF-style: chrX-120441756-T-C. GRCh37 (hg19) VCF-style: chrX-119575611-T-C.
Other names: c.1067A>G, p.Asn356Ser (NM_001122606.1, NM_013995.2); c.1067A>G (NM_002294.2); short protein forms N356S.
Identifiers: ClinVar variation 1399201 (VCV001399201.10), dbSNP rs775416221, ClinGen allele CA10505212.